The following is an entry in ClinVar:

NM_005359.6(SMAD4):c.987T>A (p.Phe329Leu)

Gene: SMAD4 (SMAD family member 4; plus strand). Cytogenetic location: 18q21.2.
Variant type: single nucleotide variant.
Coding change: c.987T>A on transcript NM_005359.6 (MANE Select); coding-DNA position 987, T replaced by A.
Protein change: p.Phe329Leu; replaces phenylalanine 329 with leucine.
Molecular consequence: missense variant. On other transcripts: non-coding transcript variant (2).
Genome position (GRCh38, 1-based): chr18:51,065,454, T>A. VCF-style: chr18-51065454-T-A. GRCh37 (hg19) VCF-style: chr18-48591824-T-A.
Other names: c.987T>A, p.Phe329Leu (NM_001407041.1, NM_001407042.1, NM_001407043.1); short protein forms F329L.
Identifiers: ClinVar variation 4758763 (VCV004758763.1).

ClinVar aggregate classification (germline): Uncertain significance (1 of 4 stars; one submission).

Conditions:
Hereditary cancer-predisposing syndrome. Also called: Neoplastic Syndromes, Hereditary; Hereditary neoplastic syndrome; Tumor predisposition; Hereditary Cancer Syndrome. Identifiers: Orphanet 140162, MedGen C0027672, MeSH D009386, MONDO:0015356.

Submission:

Color Diagnostics, LLC DBA Color Health
Classification: Uncertain significance for Hereditary cancer-predisposing syndrome. Last evaluated: 2025-06-30. Review status: criteria provided, single submitter. Criteria: ACMG Guidelines, 2015. Collection method: clinical testing. Allele origin: germline.
Comment: This missense variant replaces phenylalanine with leucine at codon 329 of the SMAD4 protein. Computational prediction suggests that this variant may have deleterious impact on protein structure and function. To our knowledge, functional studies have not been reported for this variant. This variant has not been reported in individuals affected with SMAD4-related disorders in the literature. This variant has not been identified in the general population by the Genome Aggregation Database (gnomAD). The available evidence is insufficient to determine the role of this variant in disease conclusively. Therefore, this variant is classified as a Variant of Uncertain Significance.